The following is an entry in ClinVar:

NM_022124.6(CDH23):c.2581A>G (p.Thr861Ala)

Gene: CDH23 (cadherin related 23; plus strand). Cytogenetic location: 10q22.1.
Variant type: single nucleotide variant.
Coding change: c.2581A>G on transcript NM_022124.6 (MANE Select); coding-DNA position 2581, A replaced by G.
Protein change: p.Thr861Ala; replaces threonine 861 with alanine.
Molecular consequence: missense variant.
Genome position (GRCh38, 1-based): chr10:71,702,205, A>G. VCF-style: chr10-71702205-A-G. GRCh37 (hg19) VCF-style: chr10-73461962-A-G.
Other names: c.2581A>G, p.Thr861Ala (NM_001171930.2, NM_001171931.2); c.2581A>G (NM_022124.5); short protein forms T861A.
Identifiers: ClinVar variation 1355194 (VCV001355194.7), dbSNP rs764615920, ClinGen allele CA5544257.

ClinVar aggregate classification (germline): Uncertain significance. Review status: criteria provided, multiple submitters, no conflicts (2 of 4 stars). 3 submissions from 3 submitters: Uncertain significance (3). Last evaluated 2023-04-26.

Conditions:
Inborn genetic diseases. Identifiers: MedGen C0950123, MeSH D030342.
Pituitary adenoma 5, multiple types. Identifiers: MedGen C4539685, MONDO:0054601, OMIM 617540.

Allele frequency attached by ClinVar (database versions not stated): gnomAD exomes 0.00001 and 0.00002; ExAC 0.00002; gnomAD 0.00002; TOPMed 0.00005.
gnomAD v4.1: 10 of 1,613,530 alleles (0.00062%); highest among the groups gnomAD compares: African/African-American, 0.0053%; no homozygotes.

Submissions (3):

Pittsburgh Clinical Genomics Laboratory, University of Pittsburgh Medical Center
Classification: Uncertain significance for Pituitary adenoma 5, multiple types. Last evaluated: 2023-04-26. Review status: criteria provided, single submitter. Criteria: ACMG Guidelines, 2015. Collection method: clinical testing. Allele origin: germline. Inheritance: Autosomal unknown. Affected: yes.
Comment: This sequence variant is a single nucleotide substitution (A>G) at coding position 2581 of the CDH23 gene which results in a threonine to alanine amino acid change at residue 861 of the CDH23 protein. This variant has not been reported in clinical genetics databases or observed in the medical literature in individuals with CDH23-related disease, to our knowledge. This variant is present in 4/247988 alleles (0.002%) in the gnomAD population database. Bioinformatic tools are inconclusive if this amino acid change is likely to be damaging or tolerated, and threonine is highly conserved at this protein position in vertebrates. Functiol studies assessing the effect of this variant on protein structure or activity have not been performed, to our knowledge. At this time, there is insufficient evidence to determine if this variant is pathogenic or benign. Therefore, we consider it to be a variant of uncertain significance. ACMG Criteria: PM2

Labcorp Genetics (formerly Invitae), Labcorp
Classification: Uncertain significance. Last evaluated: 2022-06-20. Review status: criteria provided, single submitter. Criteria: Invitae Variant Classification Sherloc (09022015). Collection method: clinical testing. Allele origin: germline.
Comment: This sequence change replaces threonine, which is neutral and polar, with alanine, which is neutral and non-polar, at codon 861 of the CDH23 protein (p.Thr861Ala). This variant is present in population databases (rs764615920, gnomAD 0.01%). This variant has not been reported in the literature in individuals affected with CDH23-related conditions. Algorithms developed to predict the effect of missense changes on protein structure and function output the following: SIFT: "Deleterious"; PolyPhen-2: "Not Available"; Align-GVGD: "Class C55". The alanine amino acid residue is found in multiple mammalian species, which suggests that this missense change does not adversely affect protein function. In summary, the available evidence is currently insufficient to determine the role of this variant in disease. Therefore, it has been classified as a Variant of Uncertain Significance.

Ambry Genetics
Classification: Uncertain significance for Inborn genetic diseases. Last evaluated: 2021-10-20. Review status: criteria provided, single submitter. Criteria: Ambry Variant Classification Scheme 2023. Collection method: clinical testing. Allele origin: germline.